The following is an entry in ClinVar:

NM_005391.5(PDK3):c.562G>A (p.Asp188Asn)

Gene: PDK3 (pyruvate dehydrogenase kinase 3; plus strand). Cytogenetic location: Xp22.11.
Variant type: single nucleotide variant.
Coding change: c.562G>A on transcript NM_005391.5 (MANE Select); coding-DNA position 562, G replaced by A.
Protein change: p.Asp188Asn; replaces aspartic acid 188 with asparagine.
Molecular consequence: missense variant.
Genome position (GRCh38, 1-based): chrX:24,505,265, G>A. VCF-style: chrX-24505265-G-A. GRCh37 (hg19) VCF-style: chrX-24523382-G-A.
Other names: c.562G>A, p.Asp188Asn (NM_001142386.3); short protein forms D188N.
Identifiers: ClinVar variation 474054 (VCV000474054.9), dbSNP rs1165981822, ClinGen allele CA412605673.

ClinVar aggregate classification (germline): Uncertain significance. Review status: criteria provided, multiple submitters, no conflicts (2 of 4 stars). 2 submissions from 2 submitters: Uncertain significance (2). Last evaluated 2025-04-29.

Conditions:
Charcot-Marie-Tooth disease X-linked dominant 6. Also called: CHARCOT-MARIE-TOOTH NEUROPATHY, X-LINKED DOMINANT, 6. Identifiers: Orphanet 352675, MedGen C3806702, MONDO:0010479, OMIM 300905.

Allele frequency attached by ClinVar (database versions not stated): TOPMed below 0.00001; gnomAD 0.00002 and 0.00009; gnomAD exomes 0.00002.
gnomAD v4.1: 18 of 1,202,287 alleles (0.0015%); highest among the groups gnomAD compares: African/African-American, 0.0035%; no homozygotes.

Submissions (2):

Ambry Genetics
Classification: Uncertain significance. Last evaluated: 2025-04-29. Review status: criteria provided, single submitter. Criteria: Ambry Variant Classification Scheme 2023. Collection method: clinical testing. Allele origin: germline.

Labcorp Genetics (formerly Invitae), Labcorp
Classification: Uncertain significance for Charcot-Marie-Tooth disease X-linked dominant 6. Last evaluated: 2021-09-02. Review status: criteria provided, single submitter. Criteria: Invitae Variant Classification Sherloc (09022015). Collection method: clinical testing. Allele origin: germline.
Comment: This sequence change replaces aspartic acid with asparagine at codon 188 of the PDK3 protein (p.Asp188Asn). The aspartic acid residue is highly conserved and there is a small physicochemical difference between aspartic acid and asparagine. This variant is not present in population databases (ExAC no frequency). In summary, the available evidence is currently insufficient to determine the role of this variant in disease. Therefore, it has been classified as a Variant of Uncertain Significance. This variant has not been reported in the literature in individuals affected with PDK3-related conditions. Algorithms developed to predict the effect of missense changes on protein structure and function (SIFT, PolyPhen-2, Align-GVGD) all suggest that this variant is likely to be tolerated.